The following is an entry in ClinVar:

NM_000038.6(APC):c.834+562A>T

Gene: APC (APC regulator of WNT signaling pathway; plus strand). Cytogenetic location: 5q22.2.
Variant type: single nucleotide variant.
Coding change: c.834+562A>T on transcript NM_000038.6 (MANE Select); 562 bases into the intron after coding-DNA position 834, A replaced by T.
Molecular consequence: intron variant.
Genome position (GRCh38, 1-based): chr5:112,801,945, A>T. VCF-style: chr5-112801945-A-T. GRCh37 (hg19) VCF-style: chr5-112137642-A-T.
Other names: c.834+562A>T (NM_001354895.2, NM_001127510.3, NM_001354896.2 and 1 more transcripts); c.864+562A>T (NM_001354897.2, NM_001354902.2); c.780+562A>T (NM_001127511.3); c.759+562A>T (NM_001354898.2, NM_001354904.2); c.-202+562A>T (NM_001354906.2); c.750+562A>T (NM_001354899.2); c.657+562A>T (NM_001354900.2, NM_001354901.2, NM_001354905.2).
Identifiers: ClinVar variation 82512 (VCV000082512.2), dbSNP rs76017778, ClinGen allele CA014915.

ClinVar aggregate classification (germline): other (0 of 4 stars; one submission).

Conditions:
Familial colorectal cancer. Identifiers: MedGen CN280943, MONDO:0023113. Disease mechanism: loss of function.

Submission:

Systems Biology Platform Zhejiang California International NanoSystems Institute
Classification: other for Familial colorectal cancer. Review status: no assertion criteria provided. Collection method: not provided. Allele origin: unknown.
ClinVar note: Converted during submission from cancer to other.